The following is an entry in ClinVar:

NM_182961.4(SYNE1):c.5489T>G (p.Leu1830Trp)

Gene: SYNE1 (spectrin repeat containing nuclear envelope protein 1; minus strand). Cytogenetic location: 6q25.2.
Variant type: single nucleotide variant.
Coding change: c.5489T>G on transcript NM_182961.4 (MANE Select); coding-DNA position 5489, T replaced by G.
Protein change: p.Leu1830Trp; replaces leucine 1830 with tryptophan.
Molecular consequence: missense variant.
Genome position (GRCh38, 1-based): chr6:152,416,948, A>C on the plus strand (T>G on the coding strand, the complement: SYNE1 is on the minus strand). VCF-style: chr6-152416948-A-C. GRCh37 (hg19) VCF-style: chr6-152738083-A-C.
Other names: c.5510T>G, p.Leu1837Trp (NM_033071.5); short protein forms L1837W, L1830W.
Identifiers: ClinVar variation 851954 (VCV000851954.10), dbSNP rs763296949, ClinGen allele CA4058260.
Genomic context (GRCh38, chr6:152,416,948, plus strand): 5'-AAGCAGTCCTCAGCCTTTCCCTGCAGGAGGTGGAGGTCCTCAGCACGGCCCAGAGAACCC[A>C]ACTTTGCTAAGTGACCCTGCAGACTCTGCAATTCGCCCTTTTTGCTCTCTACTTCTGCTG-3'
Protein context (NP_892006.3, residues 1820-1840): LQSLQGHLAK[Leu1830Trp]GSLGRAEDLH

ClinVar aggregate classification (germline): Uncertain significance. Review status: criteria provided, multiple submitters, no conflicts (2 of 4 stars). 2 submissions from 2 submitters: Uncertain significance (2). Last evaluated 2024-07-31.

Conditions:
Emery-Dreifuss muscular dystrophy 4, autosomal dominant (EDMD4). Also called: EMERY-DREIFUSS MUSCULAR DYSTROPHY 4 WITH VARIABLE FEATURES. Identifiers: Orphanet 261, MedGen C2751807, MONDO:0013071, OMIM 612998.
Autosomal recessive ataxia, Beauce type. Also called: ATAXIA, RECESSIVE, OF BEAUCE; SYNE1 Deficiency; Spinocerebellar ataxia, autosomal recessive 8; SYNE1-Related Autosomal Recessive Cerebellar Ataxia. Identifiers: Orphanet 88644, MedGen C1853116, MONDO:0012549, OMIM 610743.

Allele frequency attached by ClinVar (database versions not stated): gnomAD exomes below 0.00001; ExAC 0.00001.
gnomAD v4.1: 1 of 1,614,178 alleles (0.000062%); highest among the groups gnomAD compares: Admixed American, 0.0017%; no homozygotes.

Submissions (2):

Women's Health and Genetics/Laboratory Corporation of America, LabCorp
Classification: Uncertain significance. Last evaluated: 2024-07-31. Review status: criteria provided, single submitter. Criteria: LabCorp Variant Classification Summary - May 2015. Collection method: clinical testing. Allele origin: germline.
Comment: Variant summary: SYNE1 c.5510T>G (p.Leu1837Trp) results in a non-conservative amino acid change in the encoded protein sequence. Four of five in-silico tools predict a damaging effect of the variant on protein function. The variant allele was found at a frequency of 4e-06 in 250964 control chromosomes. The available data on variant occurrences in the general population are insufficient to allow any conclusion about variant significance. To our knowledge, no occurrence of c.5510T>G in individuals affected with SYNE1-Related Disorders and no experimental evidence demonstrating its impact on protein function have been reported. ClinVar contains an entry for this variant (Variation ID: 851954). Based on the evidence outlined above, the variant was classified as uncertain significance.

Labcorp Genetics (formerly Invitae), Labcorp
Classification: Uncertain significance for Emery-Dreifuss muscular dystrophy 4, autosomal dominant; Autosomal recessive ataxia, Beauce type. Last evaluated: 2024-02-23. Review status: criteria provided, single submitter. Criteria: Invitae Variant Classification Sherloc (09022015). Collection method: clinical testing. Allele origin: germline.
Comment: This sequence change replaces leucine, which is neutral and non-polar, with tryptophan, which is neutral and slightly polar, at codon 1837 of the SYNE1 protein (p.Leu1837Trp). This variant is present in population databases (rs763296949, gnomAD 0.003%). This variant has not been reported in the literature in individuals affected with SYNE1-related conditions. ClinVar contains an entry for this variant (Variation ID: 851954). An algorithm developed to predict the effect of missense changes on protein structure and function (PolyPhen-2) suggests that this variant is likely to be disruptive. In summary, the available evidence is currently insufficient to determine the role of this variant in disease. Therefore, it has been classified as a Variant of Uncertain Significance.